The following is an entry in ClinVar:

NM_001145026.2(PTPRQ):c.390+18G>T

Gene: PTPRQ (protein tyrosine phosphatase receptor type Q; plus strand). Cytogenetic location: 12q21.31.
Variant type: single nucleotide variant.
Coding change: c.390+18G>T on transcript NM_001145026.2 (MANE Select); 18 bases into the intron after coding-DNA position 390, G replaced by T.
Molecular consequence: intron variant.
Genome position (GRCh38, 1-based): chr12:80,445,735, G>T. VCF-style: chr12-80445735-G-T. GRCh37 (hg19) VCF-style: chr12-80839515-G-T.
Identifiers: ClinVar variation 2643192 (VCV002643192.25), dbSNP rs190463905, ClinGen allele CA6702313.

ClinVar aggregate classification (germline): Likely benign. Review status: criteria provided, multiple submitters, no conflicts (2 of 4 stars). 2 submissions from 2 submitters: Likely benign (2). Last evaluated 2026-09-01.

Allele frequency attached by ClinVar (database versions not stated): 1000 Genomes Project 0.00140; 1000 Genomes Project 30x 0.00156; TOPMed 0.00407; gnomAD 0.00427; ExAC 0.00569.
gnomAD v4.1: 7,211 of 1,424,630 alleles (0.51%); highest among the groups gnomAD compares: Middle Eastern, 0.82%; 30 homozygotes.

Submissions (2):

CeGaT Center for Human Genetics Tuebingen
Classification: Likely benign. Last evaluated: 2026-09-01. Review status: criteria provided, single submitter. Criteria: CeGaT Center For Human Genetics Tuebingen Variant Classification Criteria Version 2. Collection method: clinical testing. Allele origin: germline. Affected: yes. Observed: 6 variant alleles.
Comment: PTPRQ: BS2

Blueprint Genetics
Classification: Likely benign. Last evaluated: 2024-11-27. Review status: criteria provided, single submitter. Criteria: ACMG Guidelines, 2015. Collection method: clinical testing. Allele origin: germline.